The following is an entry in ClinVar:

ClinVar aggregate classification (germline): Uncertain significance (1 of 4 stars; one submission).

Allele frequency attached by ClinVar (database versions not stated): gnomAD 0.00001; gnomAD exomes 0.00003 and 0.00006; TOPMed 0.00004; ExAC 0.00009.
gnomAD v4.1: 20 of 1,613,024 alleles (0.0012%); highest among the groups gnomAD compares: Admixed American, 0.032%; no homozygotes.

Submission:

Labcorp Genetics (formerly Invitae), Labcorp
Classification: Uncertain significance. Last evaluated: 2025-06-29. Review status: criteria provided, single submitter. Criteria: Invitae Variant Classification Sherloc (09022015). Collection method: clinical testing. Allele origin: germline.
Comment: This sequence change replaces leucine, which is neutral and non-polar, with proline, which is neutral and non-polar, at codon 553 of the IFT88 protein (p.Leu553Pro). This variant is present in population databases (rs767032591, gnomAD 0.04%). This variant has not been reported in the literature in individuals affected with IFT88-related conditions. ClinVar contains an entry for this variant (Variation ID: 1474539). An algorithm developed to predict the effect of missense changes on protein structure and function (PolyPhen-2) suggests that this variant is likely to be disruptive. In summary, the available evidence is currently insufficient to determine the role of this variant in disease. Therefore, it has been classified as a Variant of Uncertain Significance.

NM_006531.5(IFT88):c.1631T>C (p.Leu544Pro)

Gene: IFT88 (intraflagellar transport 88; plus strand). Cytogenetic location: 13q12.11.
Variant type: single nucleotide variant.
Coding change: c.1631T>C on transcript NM_006531.5 (MANE Select); coding-DNA position 1631, T replaced by C.
Protein change: p.Leu544Pro; replaces leucine 544 with proline.
Molecular consequence: missense variant. On other transcripts: non-coding transcript variant (4).
Genome position (GRCh38, 1-based): chr13:20,641,347, T>C. VCF-style: chr13-20641347-T-C. GRCh37 (hg19) VCF-style: chr13-21215486-T-C.
Other names: c.1574T>C, p.Leu525Pro (NM_001318491.2, NM_001353575.2); c.1658T>C, p.Leu553Pro (NM_001318493.2, NM_001353565.2, NM_001353566.2 and 2 more transcripts); c.1631T>C, p.Leu544Pro (NM_001353568.2, NM_001353572.2); c.1556T>C, p.Leu519Pro (NM_001353569.2, NM_001353570.2, NM_001353576.2 and 1 more transcripts); c.1529T>C, p.Leu510Pro (NM_001353571.2, NM_001353578.2); c.1487T>C, p.Leu496Pro (NM_001353573.2); c.1472T>C, p.Leu491Pro (NM_001353574.2); c.998T>C, p.Leu333Pro (NM_001353579.2); short protein forms L519P, L525P, L333P, L544P, L491P, L496P, L510P, L553P.
Identifiers: ClinVar variation 1474539 (VCV001474539.6), dbSNP rs767032591, ClinGen allele CA6905477.